The following is an entry in ClinVar:

ClinVar aggregate classification (germline): Conflicting classifications of pathogenicity. Review status: criteria provided, conflicting classifications (1 of 4 stars). 4 submissions from 4 submitters: Uncertain significance (2); Likely benign (2). Last evaluated 2026-04-17.

Conditions:
NEBL-related disorder. Also called: NEBL-related condition.
Primary dilated cardiomyopathy (DCM). Also called: Dilated Cardiomyopathy. Identifiers: Orphanet 217604, MedGen C0007193, MeSH D002311, MONDO:0005021, HP:0001644. Inheritance: Various modes of inheritance.

Allele frequency attached by ClinVar (database versions not stated): gnomAD exomes 0.00002 and 0.00011; gnomAD 0.00006 and 0.00009; ExAC 0.00007; TOPMed 0.00012; 1000 Genomes Project 0.00040; 1000 Genomes Project 30x 0.00094.
gnomAD v4.1: 45 of 1,595,402 alleles (0.0028%); highest among the groups gnomAD compares: East Asian, 0.092%; no homozygotes.

Submissions (5):

PreventionGenetics, part of Exact Sciences
Classification: Likely benign for NEBL-related condition. Last evaluated: 2026-04-17. Review status: criteria provided, single submitter. Criteria: ACMG Guidelines, 2015. Collection method: clinical testing. Allele origin: germline.
Comment: This variant is classified as likely benign based on ACMG/AMP sequence variant interpretation guidelines (Richards et al. 2015 PMID: 25741868, with internal and published modifications).

Labcorp Genetics (formerly Invitae), Labcorp
Classification: Likely benign for Primary dilated cardiomyopathy. Last evaluated: 2026-01-19. Review status: criteria provided, single submitter. Criteria: Invitae Variant Classification Sherloc (09022015). Collection method: clinical testing. Allele origin: germline.

Ambry Genetics
Classification: Uncertain significance. Last evaluated: 2024-04-21. Review status: criteria provided, single submitter. Criteria: Ambry Variant Classification Scheme 2023. Collection method: clinical testing. Allele origin: germline.
Comment: The p.V624L variant (also known as c.1870G>C) is located in coding exon 19 of the NEBL gene. The valine at codon 624 is replaced by leucine, an amino acid with highly similar properties. This change occurs in the first base pair of coding exon 19. This amino acid position is conserved. In addition, this alteration is predicted to be tolerated by in silico analysis. Since supporting evidence is limited at this time, the clinical significance of this alteration remains unclear.

Clinical Genomics Laboratory, Washington University in St. Louis
Classification: Uncertain significance. Last evaluated: 2024-02-19. Review status: criteria provided, single submitter. Criteria: ACMG Guidelines, 2015. Collection method: clinical testing. Allele origin: germline.
Comment: The NEBL c.1870G>C (p.Val624Leu) variant, to our knowledge, has not be reported in the medical literature and is observed on 31/280,124 alleles in the general population (gnomAD v2.1.1). This variant occurs in the last base of the exon that is considered the canonical splice site. Due to limited information, the clinical significance of the NEBL c.1870G>C (p.Val624Leu) variant is uncertain at this time.

Dr. Peter K. Rogan Lab, Western University
No classification provided (evidence only). Condition: Familial cancer of breast. Review status: no classification provided. Collection method: in vitro. Allele origin: not applicable. Functional consequence: skipped exon. Not counted in ClinVar's aggregate classification.

NM_006393.3(NEBL):c.1870G>C (p.Val624Leu)

Gene: NEBL (nebulette; minus strand). Cytogenetic location: 10p12.31.
Variant type: single nucleotide variant.
Coding change: c.1870G>C on transcript NM_006393.3 (MANE Select); coding-DNA position 1870, G replaced by C.
Protein change: p.Val624Leu; replaces valine 624 with leucine.
Molecular consequence: missense variant. On other transcripts: intron variant (9).
Genome position (GRCh38, 1-based): chr10:20,823,300, C>G on the plus strand (G>C on the coding strand, the complement: NEBL is on the minus strand). VCF-style: chr10-20823300-C-G. GRCh37 (hg19) VCF-style: chr10-21112229-C-G.
Other names: c.250-10360G>C (NM_001377326.1, NM_001377327.1, NM_001377328.1); c.358-10360G>C (NM_213569.2, NM_001173484.2, NM_001377322.1); c.301-10360G>C (NM_001377324.1); c.292-10360G>C (NM_001377325.1); c.310-10360G>C (NM_001377323.1); short protein forms V624L.
Identifiers: ClinVar variation 703495 (VCV000703495.16), dbSNP rs186851083, ClinGen allele CA5432705.
Genomic context (GRCh38, chr10:20,823,300, plus strand): 5'-TCTTTAGTTCTGGAGGATCAGAAATGGCTGTTGCATGTTTAATCTCTTCTTTGTATTTCA[C>G]CTGCATAATTTATAAGAATATAACGTTAACTTTATTCTATGCAAGGCTTTAAAATATTGA-3'
Protein context (NP_006384.1, residues 614-634): VKKNQQNISS[Val624Leu]KYKEEIKHAT